The following is an entry in ClinVar:

ClinVar aggregate classification (germline): Conflicting classifications of pathogenicity. Review status: criteria provided, conflicting classifications (1 of 4 stars). 2 submissions from 2 submitters: Uncertain significance (1); Likely benign (1). Last evaluated 2023-03-06.

Conditions:
Bainbridge-Ropers syndrome. Also called: Severe feeding difficulties-failure to thrive-microcephaly due to ASXL3 deficiency syndrome. Identifiers: Orphanet 352577, MedGen C4750837, MONDO:0014205, OMIM 615485.
Inborn genetic diseases. Identifiers: MedGen C0950123, MeSH D030342.

Allele frequency attached by ClinVar (database versions not stated): TOPMed 0.00002.
gnomAD v4.1: 11 of 1,530,918 alleles (0.00072%); highest among the groups gnomAD compares: African/African-American, 0.0042%; no homozygotes.

Submissions (2):

Ambry Genetics
Classification: Likely benign for Inborn genetic diseases. Last evaluated: 2023-03-06. Review status: criteria provided, single submitter. Criteria: Ambry Variant Classification Scheme 2023. Collection method: clinical testing. Allele origin: germline.

Baylor Genetics
Classification: Uncertain significance for Bainbridge-Ropers syndrome. Last evaluated: 2019-03-01. Review status: criteria provided, single submitter. Criteria: ACMG Guidelines, 2015. Collection method: clinical testing. Allele origin: paternal. Affected: yes.
Comment: This variant was determined to be of uncertain significance according to ACMG Guidelines, 2015 [PMID:25741868].

NM_030632.3(ASXL3):c.6107C>G (p.Pro2036Arg)

Gene: ASXL3 (ASXL transcriptional regulator 3; plus strand). Cytogenetic location: 18q12.1.
Variant type: single nucleotide variant.
Coding change: c.6107C>G on transcript NM_030632.3 (MANE Select); coding-DNA position 6107, C replaced by G.
Protein change: p.Pro2036Arg; replaces proline 2036 with arginine.
Molecular consequence: missense variant.
Genome position (GRCh38, 1-based): chr18:33,745,955, C>G. VCF-style: chr18-33745955-C-G. GRCh37 (hg19) VCF-style: chr18-31325919-C-G.
Other names: short protein forms P2036R.
Identifiers: ClinVar variation 1028391 (VCV001028391.2), dbSNP rs778714083, ClinGen allele CA402196157.